The following is an entry in ClinVar:

NM_002691.4(POLD1):c.2014G>A (p.Ala672Thr)

Gene: POLD1 (DNA polymerase delta 1, catalytic subunit; plus strand). Cytogenetic location: 19q13.33.
Variant type: single nucleotide variant.
Coding change: c.2014G>A on transcript NM_002691.4 (MANE Select); coding-DNA position 2014, G replaced by A.
Protein change: p.Ala672Thr; replaces alanine 672 with threonine.
Molecular consequence: missense variant. On other transcripts: non-coding transcript variant (1).
Genome position (GRCh38, 1-based): chr19:50,409,526, G>A. VCF-style: chr19-50409526-G-A. GRCh37 (hg19) VCF-style: chr19-50912783-G-A.
Other names: c.2014G>A, p.Ala672Thr (NM_001256849.1); c.2092G>A, p.Ala698Thr (NM_001308632.1); c.2014G>A (NM_002691.2); short protein forms A698T, A672T.
Identifiers: ClinVar variation 1520641 (VCV001520641.7), dbSNP rs917518347, ClinGen allele CA406982451.
Genomic context (GRCh38, chr19:50,409,526, plus strand): 5'-CTGACCAATGCCCAGGTGCCGCCTGAGTGTGCTTTCCCCGTGTTCCCTCGCAGGGCCAAG[G>A]CCGAGCTGGCCAAGGAGACAGACCCCCTCCGGCGCCAGGTCCTGGATGGACGGCAGCTGG-3'
Protein context (NP_002682.2, residues 662-682): NLLSARKRAK[Ala672Thr]ELAKETDPLR

ClinVar aggregate classification (germline): Uncertain significance. Review status: criteria provided, multiple submitters, no conflicts (2 of 4 stars). 2 submissions from 2 submitters: Uncertain significance (2). Last evaluated 2023-09-15.

Conditions:
POLD1-related polyposis and colorectal cancer syndrome (CRCS10). Also called: Colorectal cancer 10; COLORECTAL CANCER, SUSCEPTIBILITY TO, ON CHROMOSOME 19q; Colorectal cancer, susceptibility to, 10. Identifiers: Orphanet 220460, MedGen C2675481, MONDO:0012953, OMIM 612591.
Hereditary cancer-predisposing syndrome. Also called: Neoplastic Syndromes, Hereditary; Tumor predisposition; Hereditary Cancer Syndrome; Hereditary neoplastic syndrome. Identifiers: Orphanet 140162, MedGen C0027672, MeSH D009386, MONDO:0015356.

Allele frequency attached by ClinVar (database versions not stated): gnomAD exomes below 0.00001; gnomAD 0.00001; TOPMed 0.00002.
gnomAD v4.1: 2 of 1,613,434 alleles (0.00012%); highest among the groups gnomAD compares: Admixed American, 0.0017%; no homozygotes.

Submissions (2):

Ambry Genetics
Classification: Uncertain significance for Hereditary cancer-predisposing syndrome. Last evaluated: 2023-09-15. Review status: criteria provided, single submitter. Criteria: Ambry Variant Classification Scheme 2023. Collection method: clinical testing. Allele origin: germline.
Comment: The p.A672T variant (also known as c.2014G>A), located in coding exon 16 of the POLD1 gene, results from a G to A substitution at nucleotide position 2014. The alanine at codon 672 is replaced by threonine, an amino acid with similar properties. This amino acid position is conserved. In addition, this alteration is predicted to be tolerated by in silico analysis. Since supporting evidence is limited at this time, the clinical significance of this alteration remains unclear.

Labcorp Genetics (formerly Invitae), Labcorp
Classification: Uncertain significance for POLD1-related polyposis and colorectal cancer syndrome. Last evaluated: 2021-09-01. Review status: criteria provided, single submitter. Criteria: Invitae Variant Classification Sherloc (09022015). Collection method: clinical testing. Allele origin: germline.
Comment: This sequence change replaces alanine with threonine at codon 672 of the POLD1 protein (p.Ala672Thr). The alanine residue is moderately conserved and there is a small physicochemical difference between alanine and threonine. This variant is not present in population databases (ExAC no frequency). This variant has not been reported in the literature in individuals affected with POLD1-related conditions. Algorithms developed to predict the effect of missense changes on protein structure and function (SIFT, PolyPhen-2, Align-GVGD) all suggest that this variant is likely to be tolerated. In summary, the available evidence is currently insufficient to determine the role of this variant in disease. Therefore, it has been classified as a Variant of Uncertain Significance.